The following is an entry in ClinVar:

ClinVar aggregate classification (germline): Uncertain significance (1 of 4 stars; one submission).

Conditions:
Developmental and epileptic encephalopathy 94 (DEE94). Also called: Epileptic encephalopathy, childhood-onset; CHD2-Related Neurodevelopmental Disorders. Identifiers: Orphanet 1942, Orphanet 2382, MedGen C3809278, MONDO:0014150, OMIM 615369.

Submission:

Labcorp Genetics (formerly Invitae), Labcorp
Classification: Uncertain significance for Developmental and epileptic encephalopathy 94. Last evaluated: 2025-11-05. Review status: criteria provided, single submitter. Criteria: Invitae Variant Classification Sherloc (09022015). Collection method: clinical testing. Allele origin: germline.
Comment: This sequence change falls in intron 18 of the CHD2 gene. It does not directly change the encoded amino acid sequence of the CHD2 protein. This variant is not present in population databases (gnomAD no frequency). This variant has not been reported in the literature in individuals affected with CHD2-related conditions. Algorithms developed to predict the effect of sequence changes on RNA splicing suggest that this variant may disrupt the consensus splice site. In summary, the available evidence is currently insufficient to determine the role of this variant in disease. Therefore, it has been classified as a Variant of Uncertain Significance.

NM_001271.4(CHD2):c.2353-15_2353-14insACA

Gene: CHD2 (chromodomain helicase DNA binding protein 2; plus strand). Cytogenetic location: 15q26.1.
Variant type: Insertion.
Coding change: c.2353-15_2353-14insACA on transcript NM_001271.4 (MANE Select); 15 bases into the intron before coding-DNA position 2353 through 14 bases into the intron before coding-DNA position 2353, ACA inserted.
Molecular consequence: intron variant.
Genome position: GRCh38 VCF-style: chr15-92972250-C-CACA. GRCh37 (hg19) VCF-style: chr15-93515480-C-CACA.
Identifiers: ClinVar variation 4730556 (VCV004730556.1).